The following is an entry in ClinVar:

NM_033453.4(ITPA):c.469C>T (p.Pro157Ser)

Gene: ITPA (inosine triphosphatase; plus strand). Cytogenetic location: 20p13.
Variant type: single nucleotide variant.
Coding change: c.469C>T on transcript NM_033453.4 (MANE Select); coding-DNA position 469, C replaced by T.
Protein change: p.Pro157Ser; replaces proline 157 with serine.
Molecular consequence: missense variant. On other transcripts: synonymous variant (4), non-coding transcript variant (2), intron variant (1).
Genome position (GRCh38, 1-based): chr20:3,221,898, C>T. VCF-style: chr20-3221898-C-T. GRCh37 (hg19) VCF-style: chr20-3202544-C-T.
Other names: c.346C>T, p.Pro116Ser (NM_001267623.2); c.132C>T, p.Ser44= (NM_001324236.2, NM_001324237.2, NM_001324238.2 and 1 more transcripts); c.418C>T, p.Pro140Ser (NM_181493.4); c.411+3266C>T (NM_001324240.2); short protein forms P116S, P140S, P157S.
Identifiers: ClinVar variation 1419421 (VCV001419421.6), dbSNP rs144703520, ClinGen allele CA9741322.

ClinVar aggregate classification (germline): Uncertain significance (1 of 4 stars; one submission).

Conditions:
Inosine triphosphatase deficiency. Also called: INOSINE TRIPHOSPHATE PYROPHOSPHOHYDROLASE DEFICIENCY. Identifiers: MedGen C0342800, MONDO:0013461, OMIM 613850.

Submission:

Labcorp Genetics (formerly Invitae), Labcorp
Classification: Uncertain significance for Inosine triphosphatase deficiency. Last evaluated: 2021-11-09. Review status: criteria provided, single submitter. Criteria: Invitae Variant Classification Sherloc (09022015). Collection method: clinical testing. Allele origin: germline.
Comment: In summary, the available evidence is currently insufficient to determine the role of this variant in disease. Therefore, it has been classified as a Variant of Uncertain Significance. Algorithms developed to predict the effect of missense changes on protein structure and function (SIFT, PolyPhen-2, Align-GVGD) all suggest that this variant is likely to be disruptive. This sequence change replaces proline, which is neutral and non-polar, with serine, which is neutral and polar, at codon 157 of the ITPA protein (p.Pro157Ser). This variant is present in population databases (rs144703520, gnomAD 0.003%). This variant has not been reported in the literature in individuals affected with ITPA-related conditions.